The following is an entry in ClinVar:

ClinVar aggregate classification (germline): Uncertain significance. Review status: criteria provided, multiple submitters, no conflicts (2 of 4 stars). 2 submissions from 2 submitters: Uncertain significance (2). Last evaluated 2025-12-09.

Conditions:
Cardiovascular phenotype. Identifiers: MedGen CN230736.
Primary dilated cardiomyopathy (DCM). Also called: Dilated Cardiomyopathy. Identifiers: Orphanet 217604, MedGen C0007193, MeSH D002311, MONDO:0005021, HP:0001644. Inheritance: Various modes of inheritance.

Allele frequency attached by ClinVar (database versions not stated): TOPMed 0.00001; gnomAD 0.00003.
gnomAD v4.1: 6 of 1,486,588 alleles (0.0004%); highest among the groups gnomAD compares: African/African-American, 0.0088%; no homozygotes.

Submissions (2):

Labcorp Genetics (formerly Invitae), Labcorp
Classification: Uncertain significance for Primary dilated cardiomyopathy. Last evaluated: 2025-12-09. Review status: criteria provided, single submitter. Criteria: Invitae Variant Classification Sherloc (09022015). Collection method: clinical testing. Allele origin: germline.
Comment: This sequence change replaces glycine, which is neutral and non-polar, with valine, which is neutral and non-polar, at codon 28 of the TXNRD2 protein (p.Gly28Val). This variant is present in population databases (no rsID available, gnomAD 0.01%). This variant has not been reported in the literature in individuals affected with TXNRD2-related conditions. ClinVar contains an entry for this variant (Variation ID: 1763247). An algorithm developed to predict the effect of missense changes on protein structure and function (PolyPhen-2) suggests that this variant is likely to be disruptive. In summary, the available evidence is currently insufficient to determine the role of this variant in disease. Therefore, it has been classified as a Variant of Uncertain Significance.

Ambry Genetics
Classification: Uncertain significance for Cardiovascular phenotype. Last evaluated: 2025-06-20. Review status: criteria provided, single submitter. Criteria: Ambry Variant Classification Scheme 2023. Collection method: clinical testing. Allele origin: germline.
Comment: The p.G28V variant (also known as c.83G>T), located in coding exon 1 of the TXNRD2 gene, results from a G to T substitution at nucleotide position 83. The glycine at codon 28 is replaced by valine, an amino acid with dissimilar properties. This amino acid position is conserved. In addition, the in silico prediction for this alteration is inconclusive. Since supporting evidence is limited at this time, the clinical significance of this alteration remains unclear.

NM_006440.5(TXNRD2):c.83G>T (p.Gly28Val)

Genes: TXNRD2 (thioredoxin reductase 2; minus strand), LOC130066960 (ATAC-STARR-seq lymphoblastoid silent region 13467; plus strand). Cytogenetic location: 22q11.21.
Variant type: single nucleotide variant.
Coding change: c.83G>T on transcript NM_006440.5 (MANE Select); coding-DNA position 83, G replaced by T.
Protein change: p.Gly28Val; replaces glycine 28 with valine.
Molecular consequence: missense variant. On other transcripts: non-coding transcript variant (1).
Genome position (GRCh38, 1-based): chr22:19,941,721, C>A on the plus strand (G>T on the coding strand, the complement: TXNRD2 is on the minus strand). VCF-style: chr22-19941721-C-A. GRCh37 (hg19) VCF-style: chr22-19929244-C-A.
Other names: c.83G>T, p.Gly28Val (NM_001282512.3, NM_001352300.2); short protein forms G28V.
Identifiers: ClinVar variation 1763247 (VCV001763247.6), dbSNP rs1212092824, ClinGen allele CA410700028.
Genomic context (GRCh38, chr22:19,941,721, plus strand): 5'-CGCGGACACCTACCGCGGGGACGCCCCGACCCCATCCTACCTGCTGCGCCCCGCGCCGCG[C>A]CCCGCACCCCGCCCGCCACGGCCTGCGTCCGCCACCGGAAGCGCCCTCCTAATCCCCGCA-3'
Protein context (NP_006431.2, residues 18-38): RTQAVAGGVR[Gly28Val]AARGAAAGQR